The following is an entry in ClinVar:

NM_007373.4(SHOC2):c.1434G>C (p.Leu478Phe)

Gene: SHOC2 (SHOC2 leucine rich repeat scaffold protein; plus strand). Cytogenetic location: 10q25.2.
Variant type: single nucleotide variant.
Coding change: c.1434G>C on transcript NM_007373.4 (MANE Select); coding-DNA position 1434, G replaced by C.
Protein change: p.Leu478Phe; replaces leucine 478 with phenylalanine.
Molecular consequence: missense variant. On other transcripts: non-coding transcript variant (1).
Genome position (GRCh38, 1-based): chr10:111,009,724, G>C. VCF-style: chr10-111009724-G-C. GRCh37 (hg19) VCF-style: chr10-112769482-G-C.
Other names: c.1296G>C, p.Leu432Phe (NM_001269039.3); c.1434G>C, p.Leu478Phe (NM_001324336.2, NM_001324337.2); short protein forms L432F, L478F.
Identifiers: ClinVar variation 2847622 (VCV002847622.3), dbSNP rs2493959823, ClinGen allele CA378524505.

ClinVar aggregate classification (germline): Uncertain significance (1 of 4 stars; one submission).

Conditions:
RASopathy. Also called: Noonan spectrum disorder; rasopathies. Identifiers: Orphanet 536391, MedGen C5555857, MONDO:0021060.

Submission:

Labcorp Genetics (formerly Invitae), Labcorp
Classification: Uncertain significance for RASopathy. Last evaluated: 2023-06-22. Review status: criteria provided, single submitter. Criteria: Invitae Variant Classification Sherloc (09022015). Collection method: clinical testing. Allele origin: germline.
Comment: This sequence change replaces leucine, which is neutral and non-polar, with phenylalanine, which is neutral and non-polar, at codon 478 of the SHOC2 protein (p.Leu478Phe). This variant is not present in population databases (gnomAD no frequency). This variant has not been reported in the literature in individuals affected with SHOC2-related conditions. Advanced modeling of protein sequence and biophysical properties (such as structural, functional, and spatial information, amino acid conservation, physicochemical variation, residue mobility, and thermodynamic stability) performed at Invitae indicates that this missense variant is not expected to disrupt SHOC2 protein function. In summary, the available evidence is currently insufficient to determine the role of this variant in disease. Therefore, it has been classified as a Variant of Uncertain Significance.